The following is an entry in ClinVar:

ClinVar aggregate classification (germline): Uncertain significance (1 of 4 stars; one submission).

gnomAD v4.1: 1 of 1,613,918 alleles (0.000062%); highest among the groups gnomAD compares: Non-Finnish European, 0.000085%; no homozygotes.

Submission:

Labcorp Genetics (formerly Invitae), Labcorp
Classification: Uncertain significance. Last evaluated: 2022-05-27. Review status: criteria provided, single submitter. Criteria: Invitae Variant Classification Sherloc (09022015). Collection method: clinical testing. Allele origin: germline.
Comment: This sequence change replaces alanine, which is neutral and non-polar, with threonine, which is neutral and polar, at codon 881 of the PLEKHG2 protein (p.Ala881Thr). This variant is not present in population databases (gnomAD no frequency). This variant has not been reported in the literature in individuals affected with PLEKHG2-related conditions. Algorithms developed to predict the effect of missense changes on protein structure and function are either unavailable or do not agree on the potential impact of this missense change (SIFT: "Deleterious"; PolyPhen-2: "Benign"; Align-GVGD: "Class C55"). In summary, the available evidence is currently insufficient to determine the role of this variant in disease. Therefore, it has been classified as a Variant of Uncertain Significance.

NM_022835.3(PLEKHG2):c.2641G>A (p.Ala881Thr)

Gene: PLEKHG2 (pleckstrin homology and RhoGEF domain containing G2; plus strand). Cytogenetic location: 19q13.2.
Variant type: single nucleotide variant.
Coding change: c.2641G>A on transcript NM_022835.3 (MANE Select); coding-DNA position 2641, G replaced by A.
Protein change: p.Ala881Thr; replaces alanine 881 with threonine.
Molecular consequence: missense variant. On other transcripts: intron variant (1).
Genome position (GRCh38, 1-based): chr19:39,423,774, G>A. VCF-style: chr19-39423774-G-A. GRCh37 (hg19) VCF-style: chr19-39914414-G-A.
Other names: c.2464G>A, p.Ala822Thr (NM_001351693.2); c.1678-1464G>A (NM_001351694.2); short protein forms A881T, A822T.
Identifiers: ClinVar variation 1367649 (VCV001367649.3), dbSNP rs1010266816, ClinGen allele CA308244910.